The following is an entry in ClinVar:

ClinVar aggregate classification (germline): Pathogenic/Likely pathogenic. Review status: criteria provided, multiple submitters, no conflicts (2 of 4 stars). 2 submissions from 2 submitters: Pathogenic (1); Likely pathogenic (1). Last evaluated 2025-10-31.

Conditions:
Alport syndrome. Also called: Hemorrhagic familial nephritis; Hemorrhagic hereditary nephritis; Congenital hereditary hematuria. Identifiers: Orphanet 63, MedGen C1567741, MONDO:0018965.
COL4A3-related disorder. Also called: COL4A3-related condition; COL4A3-Related Disorders.

Submissions (2):

Myriad Genetics, Inc.
Classification: Pathogenic for Alport syndrome. Last evaluated: 2025-10-31. Review status: criteria provided, single submitter. Criteria: Myriad Autosomal Dominant, Autosomal Recessive and X-Linked Classification Criteria (2023). Collection method: clinical testing. Allele origin: unknown.
Comment: NM_000091.4(COL4A3):c.4353_4354delCA(H1451Qfs*58) is expected to be pathogenic in the context of Alport syndrome, COL4A3-related. This variant is predicted to lead to an abnormal or absent protein product due to the creation of a premature termination codon in COL4A3, a gene where loss-of-function variants are known to be pathogenic. Please note: this variant was assessed in the context of healthy population screening.

Blueprint Genetics
Classification: Likely pathogenic for COL4A3-related disorders. Last evaluated: 2020-12-14. Review status: criteria provided, single submitter. Criteria: ACMG Guidelines, 2015. Collection method: clinical testing. Allele origin: germline. Affected: yes. Observed: 1 variant allele.

NM_000091.5(COL4A3):c.4353_4354del (p.His1451fs)

Genes: COL4A3 (collagen type IV alpha 3 chain; plus strand), MFF-DT (MFF divergent transcript; minus strand). Cytogenetic location: 2q36.3.
Variant type: Microsatellite.
Coding change: c.4353_4354del on transcript NM_000091.5 (MANE Select); coding-DNA positions 4353 to 4354, 2 bases deleted (CA; older notation c.4353_4354delCA).
Protein change: p.His1451fs; shifts the reading frame from histidine 1451.
Molecular consequence: frameshift variant.
Genome position (GRCh38, 1-based): chr2:227,307,810-227,307,811, CA deleted; deleting any 2 consecutive bases within chr2:227,307,807-227,307,811 gives the same sequence; the c. name uses the placement nearest the transcript's 3' end. VCF-style (leftmost placement, unchanged base first): chr2-227307806-GAC-G. GRCh37 (hg19) VCF-style: chr2-228172522-GAC-G.
Other names: short protein forms H1451fs.
Identifiers: ClinVar variation 4960354 (VCV004960354.2).